The following is an entry in ClinVar:

ClinVar aggregate classification (germline): Pathogenic (0 of 4 stars; one submission).

Conditions:
Fanconi anemia complementation group A (FANCA). Also called: Fanconi anemia, group A; FANCA-Related Fanconi Anemia. Identifiers: Orphanet 84, MedGen C3469521, MONDO:0009215, OMIM 227650.

Submission:

Leiden Open Variation Database
Classification: Pathogenic for Fanconi anemia complementation group A. Last evaluated: 2020-02-28. Review status: no assertion criteria provided. Collection method: curation. Allele origin: germline. Affected: yes.
Comment: Curator: Arleen D. Auerbach. Submitter to LOVD: Arleen D. Auerbach.

Literature cited by the submitters: PubMed 15522956.

NM_000135.4(FANCA):c.3774_3776del (p.Phe1259del)

Genes: ZNF276 (zinc finger protein 276; plus strand), FANCA (FA complementation group A; minus strand). Cytogenetic location: 16q24.3.
Variant type: Deletion.
Coding change: c.3774_3776del on transcript NM_000135.4 (MANE Select); coding-DNA positions 3774 to 3776, 3 bases deleted (TTT; older notation c.3774_3776delTTT).
Protein change: p.Phe1259del; deletes phenylalanine 1259.
Molecular consequence: inframe deletion. On other transcripts: inframe indel (1), 3 prime UTR variant (2), non-coding transcript variant (4).
Genome position (GRCh38, 1-based): chr16:89,740,856-89,740,858, AAA deleted on the plus strand (TTT on the coding strand, the reverse complement: FANCA is on the minus strand); deleting any 3 consecutive bases within chr16:89,740,856-89,740,859 gives the same sequence; the c. name uses the placement nearest the transcript's 3' end. VCF-style (leftmost placement, unchanged base first): chr16-89740855-GAAA-G. GRCh37 (hg19) VCF-style: chr16-89807263-GAAA-G.
Other names: c.3773_3775delTTT, p.Phe1259del (NM_000135.2); c.3774_3776del, p.Phe1259del (NM_001286167.3); c.*2611_*2613del (NM_001113525.2, NM_152287.4); short protein forms F1259del.
Identifiers: ClinVar variation 974267 (VCV000974267.1), dbSNP rs2062115822, ClinGen allele CA1139664954.